The following is an entry in ClinVar:

NM_006642.5(SDCCAG8):c.122T>C (p.Val41Ala)

Gene: SDCCAG8 (SHH signaling and ciliogenesis regulator SDCCAG8; plus strand). Cytogenetic location: 1q43.
Variant type: single nucleotide variant.
Coding change: c.122T>C on transcript NM_006642.5 (MANE Select); coding-DNA position 122, T replaced by C.
Protein change: p.Val41Ala; replaces valine 41 with alanine.
Molecular consequence: missense variant. On other transcripts: 5 prime UTR variant (4).
Genome position (GRCh38, 1-based): chr1:243,270,159, T>C. VCF-style: chr1-243270159-T-C. GRCh37 (hg19) VCF-style: chr1-243433461-T-C.
Other names: c.-991T>C (NM_001350246.2); c.-879T>C (NM_001350247.2); c.122T>C, p.Val41Ala (NM_001350248.2); c.-173T>C (NM_001350249.2); c.-1252T>C (NM_001350251.2); short protein forms V41A.
Identifiers: ClinVar variation 950654 (VCV000950654.6), dbSNP rs2067972241, ClinGen allele CA345473915.

ClinVar aggregate classification (germline): Uncertain significance (1 of 4 stars; one submission).

Conditions:
Bardet-Biedl syndrome 16 (BBS16). Identifiers: Orphanet 110, MedGen C3889474, MONDO:0014444, OMIM 615993.
Senior-Loken syndrome 7 (SLSN7). Identifiers: Orphanet 3156, MedGen C3150877, MONDO:0013326, OMIM 613615.

Allele frequency attached by ClinVar (database versions not stated): gnomAD exomes below 0.00001.
gnomAD v4.1: 1 of 1,614,220 alleles (0.000062%); highest among the groups gnomAD compares: Admixed American, 0.0017%; no homozygotes.

Submission:

Labcorp Genetics (formerly Invitae), Labcorp
Classification: Uncertain significance for Bardet-Biedl syndrome 16; Senior-Loken syndrome 7. Last evaluated: 2022-08-31. Review status: criteria provided, single submitter. Criteria: Invitae Variant Classification Sherloc (09022015). Collection method: clinical testing. Allele origin: germline.
Comment: In summary, the available evidence is currently insufficient to determine the role of this variant in disease. Therefore, it has been classified as a Variant of Uncertain Significance. Algorithms developed to predict the effect of missense changes on protein structure and function output the following: SIFT: "Tolerated"; PolyPhen-2: "Benign"; Align-GVGD: "Class C0". The alanine amino acid residue is found in multiple mammalian species, which suggests that this missense change does not adversely affect protein function. ClinVar contains an entry for this variant (Variation ID: 950654). This variant has not been reported in the literature in individuals affected with SDCCAG8-related conditions. This variant is not present in population databases (gnomAD no frequency). This sequence change replaces valine, which is neutral and non-polar, with alanine, which is neutral and non-polar, at codon 41 of the SDCCAG8 protein (p.Val41Ala).